The following is an entry in ClinVar:

ClinVar aggregate classification (germline): Likely benign (1 of 4 stars; one submission).

Submission:

CeGaT Center for Human Genetics Tuebingen
Classification: Likely benign. Last evaluated: 2026-07-01. Review status: criteria provided, single submitter. Criteria: CeGaT Center For Human Genetics Tuebingen Variant Classification Criteria Version 2. Collection method: clinical testing. Allele origin: germline. Affected: yes. Observed: 4 variant alleles.
Comment: FCGBP: BP4, BP7, BS2

NM_003890.3(FCGBP):c.13989C>T (p.Gly4663=)

Gene: FCGBP (Fc gamma binding protein; minus strand). Cytogenetic location: 19q13.2.
Variant type: single nucleotide variant.
Coding change: c.13989C>T on transcript NM_003890.3 (MANE Select); coding-DNA position 13989, C replaced by T.
Protein change: p.Gly4663=; no amino-acid change (glycine 4663 retained).
Molecular consequence: synonymous variant.
Genome position (GRCh38, 1-based): chr19:39,875,605, G>A on the plus strand (C>T on the coding strand, the complement: FCGBP is on the minus strand). VCF-style: chr19-39875605-G-A. GRCh37 (hg19) VCF-style: chr19-40366245-G-A.
Identifiers: ClinVar variation 4533508 (VCV004533508.6).